The following is an entry in ClinVar:

NM_181332.3(NLGN4X):c.1907C>G (p.Thr636Ser)

Gene: NLGN4X (neuroligin 4 X-linked; minus strand). Cytogenetic location: Xp22.32.
Variant type: single nucleotide variant.
Coding change: c.1907C>G on transcript NM_181332.3 (MANE Select); coding-DNA position 1907, C replaced by G.
Protein change: p.Thr636Ser; replaces threonine 636 with serine.
Molecular consequence: missense variant.
Genome position (GRCh38, 1-based): chrX:5,893,361, G>C on the plus strand (C>G on the coding strand, the complement: NLGN4X is on the minus strand). VCF-style: chrX-5893361-G-C. GRCh37 (hg19) VCF-style: chrX-5811402-G-C.
Other names: c.1907C>G, p.Thr636Ser (NM_001282145.2, NM_001282146.2, NM_020742.4); short protein forms T636S.
Identifiers: ClinVar variation 3371491 (VCV003371491.1).
Genomic context (GRCh38, chrX:5,893,361, plus strand): 5'-GTTTTGTGAGGGTCCTTAGAGTGTTTGGGATTGTTGGCAGGAGTGATTGCTGGGCGTTTG[G>C]TGGTTGGCCATATCTTGGCGGGAGATCGCCGGGTGCCATAGGGAAATGATGTCATGTCTG-3'
Protein context (NP_851849.1, residues 626-646): RRSPAKIWPT[Thr636Ser]KRPAITPANN

ClinVar aggregate classification (germline): Uncertain significance (1 of 4 stars; one submission).

Submission:

GeneDx
Classification: Uncertain significance. Last evaluated: 2024-03-23. Review status: criteria provided, single submitter. Criteria: GeneDx Variant Classification Process June 2021. Collection method: clinical testing. Allele origin: germline. Affected: yes.
Comment: Has not been previously published as pathogenic or benign to our knowledge; In silico analysis supports that this missense variant does not alter protein structure/function; Not observed at significant frequency in large population cohorts (gnomAD)